The following is an entry in ClinVar:

NM_020949.3(SLC7A14):c.307G>A (p.Val103Ile)

Genes: SLC7A14 (solute carrier family 7 member 14; minus strand), SLC7A14-AS1 (SLC7A14 antisense RNA 1; plus strand). Cytogenetic location: 3q26.2.
Variant type: single nucleotide variant.
Coding change: c.307G>A on transcript NM_020949.3 (MANE Select); coding-DNA position 307, G replaced by A.
Protein change: p.Val103Ile; replaces valine 103 with isoleucine.
Molecular consequence: missense variant.
Genome position (GRCh38, 1-based): chr3:170,501,343, C>T on the plus strand (G>A on the coding strand, the complement: SLC7A14 is on the minus strand). VCF-style: chr3-170501343-C-T. GRCh37 (hg19) VCF-style: chr3-170219132-C-T.
Other names: short protein forms V103I.
Identifiers: ClinVar variation 3445092 (VCV003445092.4).

ClinVar aggregate classification (germline): Uncertain significance. Review status: criteria provided, multiple submitters, no conflicts (2 of 4 stars). 3 submissions from 3 submitters: Uncertain significance (3). Last evaluated 2025-10-11.

gnomAD v4.1: 63 of 1,613,354 alleles (0.0039%); highest among the groups gnomAD compares: Middle Eastern, 0.033%; no homozygotes.

Submissions (3):

Labcorp Genetics (formerly Invitae), Labcorp
Classification: Uncertain significance. Last evaluated: 2025-10-11. Review status: criteria provided, single submitter. Criteria: Invitae Variant Classification Sherloc (09022015). Collection method: clinical testing. Allele origin: germline.
Comment: This sequence change replaces valine, which is neutral and non-polar, with isoleucine, which is neutral and non-polar, at codon 103 of the SLC7A14 protein (p.Val103Ile). This variant is present in population databases (rs756676556, gnomAD 0.01%). This variant has not been reported in the literature in individuals affected with SLC7A14-related conditions. ClinVar contains an entry for this variant (Variation ID: 3445092). An algorithm developed to predict the effect of missense changes on protein structure and function (PolyPhen-2) suggests that this variant is likely to be disruptive. In summary, the available evidence is currently insufficient to determine the role of this variant in disease. Therefore, it has been classified as a Variant of Uncertain Significance.

Ambry Genetics
Classification: Uncertain significance. Last evaluated: 2024-08-20. Review status: criteria provided, single submitter. Criteria: Ambry Variant Classification Scheme 2023. Collection method: clinical testing. Allele origin: germline.

Blueprint Genetics
Classification: Uncertain significance. Last evaluated: 2024-07-01. Review status: criteria provided, single submitter. Criteria: ACMG Guidelines, 2015. Collection method: clinical testing. Allele origin: germline.